The following is an entry in ClinVar:

ClinVar aggregate classification (germline): Uncertain significance (1 of 4 stars; one submission).

Allele frequency attached by ClinVar (database versions not stated): gnomAD exomes below 0.00001; TOPMed 0.00001; ExAC 0.00001.
gnomAD v4.1: 3 of 1,607,926 alleles (0.00019%); highest among the groups gnomAD compares: East Asian, 0.0067%; no homozygotes.

Submission:

Labcorp Genetics (formerly Invitae), Labcorp
Classification: Uncertain significance. Last evaluated: 2022-05-15. Review status: criteria provided, single submitter. Criteria: Invitae Variant Classification Sherloc (09022015). Collection method: clinical testing. Allele origin: germline.
Comment: This sequence change replaces phenylalanine, which is neutral and non-polar, with leucine, which is neutral and non-polar, at codon 306 of the PPCS protein (p.Phe306Leu). This variant is present in population databases (rs775424687, gnomAD 0.01%). This variant has not been reported in the literature in individuals affected with PPCS-related conditions. Algorithms developed to predict the effect of missense changes on protein structure and function are either unavailable or do not agree on the potential impact of this missense change (SIFT: "Deleterious"; PolyPhen-2: "Benign"; Align-GVGD: "Class C0"). In summary, the available evidence is currently insufficient to determine the role of this variant in disease. Therefore, it has been classified as a Variant of Uncertain Significance.

NM_024664.4(PPCS):c.916T>C (p.Phe306Leu)

Genes: CCDC30 (coiled-coil domain containing 30; plus strand), PPCS (phosphopantothenoylcysteine synthetase; plus strand). Cytogenetic location: 1p34.2.
Variant type: single nucleotide variant.
Coding change: c.916T>C on transcript NM_024664.4 (MANE Select); coding-DNA position 916, T replaced by C.
Protein change: p.Phe306Leu; replaces phenylalanine 306 with leucine.
Molecular consequence: missense variant. On other transcripts: intron variant (2).
Genome position (GRCh38, 1-based): chr1:42,459,906, T>C. VCF-style: chr1-42459906-T-C. GRCh37 (hg19) VCF-style: chr1-42925577-T-C.
Other names: c.397T>C, p.Phe133Leu (NM_001077447.3, NM_001287506.1, NM_001287508.2 and 2 more transcripts); c.298T>C, p.Phe100Leu (NM_001287507.1); c.-880+2556T>C (NM_001355226.2); c.612+2556T>C (NM_001287511.2); short protein forms F133L, F100L, F306L.
Identifiers: ClinVar variation 1904690 (VCV001904690.3), dbSNP rs775424687, ClinGen allele CA800093.